The following is an entry in ClinVar:

ClinVar aggregate classification (germline): Uncertain significance (1 of 4 stars; one submission).

gnomAD v4.1: 6 of 1,614,172 alleles (0.00037%); highest among the groups gnomAD compares: Admixed American, 0.0017%; no homozygotes.

Submission:

Mayo Clinic Laboratories, Mayo Clinic
Classification: Uncertain significance. Last evaluated: 2025-06-24. Review status: criteria provided, single submitter. Criteria: ACMG Guidelines, 2015. Collection method: clinical testing. Allele origin: germline. Observed: 1 variant allele.
Comment: PM2_supporting

NM_000379.4(XDH):c.564+3A>G

Gene: XDH (xanthine dehydrogenase; minus strand). Cytogenetic location: 2p23.1.
Variant type: single nucleotide variant.
Coding change: c.564+3A>G on transcript NM_000379.4 (MANE Select); 3 bases into the intron after coding-DNA position 564, A replaced by G.
Molecular consequence: intron variant.
Genome position (GRCh38, 1-based): chr2:31,388,224, T>C on the plus strand (A>G on the coding strand, the complement: XDH is on the minus strand). VCF-style: chr2-31388224-T-C. GRCh37 (hg19) VCF-style: chr2-31611090-T-C.
Other names: p.?.
Identifiers: ClinVar variation 4542548 (VCV004542548.1).